The following is an entry in ClinVar:

ClinVar aggregate classification (germline): Pathogenic (1 of 4 stars; one submission).

Submission:

Labcorp Genetics (formerly Invitae), Labcorp
Classification: Pathogenic. Last evaluated: 2022-07-05. Review status: criteria provided, single submitter. Criteria: Invitae Variant Classification Sherloc (09022015). Collection method: clinical testing. Allele origin: germline.
Comment: This sequence change creates a premature translational stop signal (p.Gln277*) in the SLC5A6 gene. It is expected to result in an absent or disrupted protein product. Loss-of-function variants in SLC5A6 are known to be pathogenic (PMID: 27904971, 31754459). This variant is not present in population databases (gnomAD no frequency). This variant has not been reported in the literature in individuals affected with SLC5A6-related conditions. For these reasons, this variant has been classified as Pathogenic.

Literature cited by the submitters: PubMed 27904971; PubMed 31754459.

NM_021095.4(SLC5A6):c.829C>T (p.Gln277Ter)

Gene: SLC5A6 (solute carrier family 5 member 6; minus strand). Cytogenetic location: 2p23.3.
Variant type: single nucleotide variant.
Coding change: c.829C>T on transcript NM_021095.4 (MANE Select); coding-DNA position 829, C replaced by T.
Protein change: p.Gln277Ter; replaces glutamine 277 with a stop codon.
Molecular consequence: nonsense. On other transcripts: non-coding transcript variant (1).
Genome position (GRCh38, 1-based): chr2:27,204,837, G>A on the plus strand (C>T on the coding strand, the complement: SLC5A6 is on the minus strand). VCF-style: chr2-27204837-G-A. GRCh37 (hg19) VCF-style: chr2-27427705-G-A.
Other names: short protein forms Q277*.
Identifiers: ClinVar variation 2073503 (VCV002073503.1), dbSNP rs2466069640, ClinGen allele CA346173884.